The following is an entry in ClinVar:

NM_005751.5(AKAP9):c.62G>A (p.Arg21Gln)

Gene: AKAP9 (A-kinase anchoring protein 9; plus strand). Cytogenetic location: 7q21.2.
Variant type: single nucleotide variant.
Coding change: c.62G>A on transcript NM_005751.5 (MANE Select); coding-DNA position 62, G replaced by A.
Protein change: p.Arg21Gln; replaces arginine 21 with glutamine.
Molecular consequence: missense variant.
Genome position (GRCh38, 1-based): chr7:91,973,724, G>A. VCF-style: chr7-91973724-G-A. GRCh37 (hg19) VCF-style: chr7-91603038-G-A.
Other names: c.62G>A, p.Arg21Gln (NM_147185.3); short protein forms R21Q.
Identifiers: ClinVar variation 3017917 (VCV003017917.3), dbSNP rs760483571, ClinGen allele CA4335726.

ClinVar aggregate classification (germline): Uncertain significance (1 of 4 stars; one submission).

Conditions:
Long QT syndrome (LQTS). Identifiers: MedGen C0023976, MeSH D008133, MONDO:0002442. Disease mechanism: loss of function. Inheritance: Various modes of inheritance.

Allele frequency attached by ClinVar (database versions not stated): gnomAD 0.00001; gnomAD exomes 0.00001; ExAC 0.00002.
gnomAD v4.1: 8 of 1,613,182 alleles (0.0005%); highest among the groups gnomAD compares: African/African-American, 0.0027%; no homozygotes.

Submission:

Labcorp Genetics (formerly Invitae), Labcorp
Classification: Uncertain significance for Long QT syndrome. Last evaluated: 2023-04-19. Review status: criteria provided, single submitter. Criteria: Invitae Variant Classification Sherloc (09022015). Collection method: clinical testing. Allele origin: germline.
Comment: This sequence change replaces arginine, which is basic and polar, with glutamine, which is neutral and polar, at codon 21 of the AKAP9 protein (p.Arg21Gln). This variant is present in population databases (rs760483571, gnomAD 0.002%). In summary, the available evidence is currently insufficient to determine the role of this variant in disease. Therefore, it has been classified as a Variant of Uncertain Significance. An algorithm developed to predict the effect of missense changes on protein structure and function (PolyPhen-2) suggests that this variant is likely to be disruptive. This variant has not been reported in the literature in individuals affected with AKAP9-related conditions.